The following is an entry in ClinVar:

NM_018062.4(FANCL):c.1096A>T (p.Ile366Phe)

Genes: FANCL (FA complementation group L; minus strand), VRK2 (VRK serine/threonine kinase 2; plus strand). Cytogenetic location: 2p16.1.
Variant type: single nucleotide variant.
Coding change: c.1096A>T on transcript NM_018062.4 (MANE Select); coding-DNA position 1096, A replaced by T.
Protein change: p.Ile366Phe; replaces isoleucine 366 with phenylalanine.
Molecular consequence: missense variant. On other transcripts: 3 prime UTR variant (9).
Genome position (GRCh38, 1-based): chr2:58,159,797, T>A on the plus strand (A>T on the coding strand, the complement: FANCL is on the minus strand). VCF-style: chr2-58159797-T-A. GRCh37 (hg19) VCF-style: chr2-58386932-T-A.
Other names: c.1111A>T, p.Ile371Phe (NM_001114636.2); c.1141A>T, p.Ile381Phe (NM_001374615.1); c.1156A>T, p.Ile386Phe (NM_001410792.1); c.*104T>A (NM_001130480.2, NM_001130481.2, NM_001130482.2 and 4 more transcripts); c.*489T>A (NM_001130483.2, NM_001288838.2); short protein forms I366F, I371F, I381F, I386F.
Identifiers: ClinVar variation 2443130 (VCV002443130.2), dbSNP rs200412376, ClinGen allele CA346930767.

ClinVar aggregate classification (germline): Uncertain significance (0 of 4 stars; one submission).

Submission:

Genetic Services Laboratory, University of Chicago
Classification: Uncertain significance. Last evaluated: 2022-08-30. Review status: no assertion criteria provided. Collection method: clinical testing. Allele origin: germline. Affected: no.
Comment: DNA sequence analysis of the FANCL gene demonstrated a sequence change, c.1096A>T, in exon 14 that results in an amino acid change, p.Ile366Phe. This sequence change does not appear to have been previously described in individuals with FANCL-related disorders and has also not been described in population databases such as ExAC and gnomAD. The p.Ile366Phe change affects a moderately conserved amino acid residue located in a domain of the FANCL protein that is not known to be functional. In-silico pathogenicity prediction tools (SIFT, PolyPhen2, Align GVGD, REVEL) provide contradictory results for the p.Ile366Phe substitution. Due to insufficient evidences and the lack of functional studies, the clinical significance of the p.Ile366Phe change remains unknown at this time.